The following is an entry in ClinVar:

NM_018127.7(ELAC2):c.2362C>T (p.Arg788Trp)

Gene: ELAC2 (elaC ribonuclease Z 2; minus strand). Cytogenetic location: 17p12.
Variant type: single nucleotide variant.
Coding change: c.2362C>T on transcript NM_018127.7 (MANE Select); coding-DNA position 2362, C replaced by T.
Protein change: p.Arg788Trp; replaces arginine 788 with tryptophan.
Molecular consequence: missense variant.
Genome position (GRCh38, 1-based): chr17:12,992,937, G>A on the plus strand (C>T on the coding strand, the complement: ELAC2 is on the minus strand). VCF-style: chr17-12992937-G-A. GRCh37 (hg19) VCF-style: chr17-12896254-G-A.
Other names: c.2242C>T, p.Arg748Trp (NM_001165962.2); c.2359C>T, p.Arg787Trp (NM_173717.2); short protein forms R748W, R787W, R788W.
Identifiers: ClinVar variation 3712519 (VCV003712519.1).

ClinVar aggregate classification (germline): Uncertain significance (1 of 4 stars; one submission).

Conditions:
Combined oxidative phosphorylation defect type 17. Also called: Combined oxidative phosphorylation deficiency 17. Identifiers: Orphanet 369913, MedGen C3809526, MONDO:0014190, OMIM 615440.

Submission:

Labcorp Genetics (formerly Invitae), Labcorp
Classification: Uncertain significance for Combined oxidative phosphorylation defect type 17. Last evaluated: 2024-09-17. Review status: criteria provided, single submitter. Criteria: Invitae Variant Classification Sherloc (09022015). Collection method: clinical testing. Allele origin: germline.
Comment: This sequence change replaces arginine, which is basic and polar, with tryptophan, which is neutral and slightly polar, at codon 788 of the ELAC2 protein (p.Arg788Trp). This variant is present in population databases (rs749996506, gnomAD 0.01%). This variant has not been reported in the literature in individuals affected with ELAC2-related conditions. An algorithm developed to predict the effect of missense changes on protein structure and function (PolyPhen-2) suggests that this variant is likely to be disruptive. In summary, the available evidence is currently insufficient to determine the role of this variant in disease. Therefore, it has been classified as a Variant of Uncertain Significance.